The following is an entry in ClinVar:

ClinVar aggregate classification (germline): Uncertain significance (1 of 4 stars; one submission).

Submission:

GeneDx
Classification: Uncertain significance. Last evaluated: 2023-08-25. Review status: criteria provided, single submitter. Criteria: GeneDx Variant Classification Process June 2021. Collection method: clinical testing. Allele origin: germline. Affected: yes.
Comment: Not observed at significant frequency in large population cohorts (gnomAD); In silico analysis supports that this missense variant does not alter protein structure/function; Has not been previously published as pathogenic or benign to our knowledge

NM_000489.6(ATRX):c.7368G>A (p.Met2456Ile)

Gene: ATRX (ATRX chromatin remodeler; minus strand). Cytogenetic location: Xq21.1.
Variant type: single nucleotide variant.
Coding change: c.7368G>A on transcript NM_000489.6 (MANE Select); coding-DNA position 7368, G replaced by A.
Protein change: p.Met2456Ile; replaces methionine 2456 with isoleucine.
Molecular consequence: missense variant.
Genome position (GRCh38, 1-based): chrX:77,508,462, C>T on the plus strand (G>A on the coding strand, the complement: ATRX is on the minus strand). VCF-style: chrX-77508462-C-T. GRCh37 (hg19) VCF-style: chrX-76763940-C-T.
Other names: c.7254G>A, p.Met2418Ile (NM_138270.5); short protein forms M2418I, M2456I.
Identifiers: ClinVar variation 2429647 (VCV002429647.3), dbSNP rs2147648172, ClinGen allele CA413704089.